The following is an entry in ClinVar:

ClinVar aggregate classification (germline): Benign/Likely benign. Review status: criteria provided, multiple submitters, no conflicts (2 of 4 stars). 27 submissions from 24 submitters: Benign (19); Likely benign (2). 6 of the submissions do not count toward it. Last evaluated 2026-02-04.

Conditions:
Lymphangiomyomatosis (LAM). Also called: Lymphangioleiomyomatosis; Lymphangioleiomyomatosis, somatic. Identifiers: Orphanet 538, MedGen C0751674, MONDO:0011705, OMIM 606690.
Tuberous sclerosis syndrome (TSC). Also called: Tuberous Sclerosis Complex; Tuberous sclerosis. Identifiers: Orphanet 805, MedGen C0041341, MONDO:0001734.
Hereditary cancer-predisposing syndrome. Also called: Tumor predisposition; Neoplastic Syndromes, Hereditary; Hereditary neoplastic syndrome; Hereditary Cancer Syndrome. Identifiers: Orphanet 140162, MedGen C0027672, MeSH D009386, MONDO:0015356.
Isolated focal cortical dysplasia type II (FCORD2). Also called: CORTICAL DYSPLASIA OF TAYLOR; Focal cortical dysplasia type II. Identifiers: Orphanet 268994, MedGen C1846385, MONDO:0011818, OMIM 607341, HP:0032051.
Malignant tumor of urinary bladder. Also called: Urinary Bladder Neoplasms; Urinary bladder cancer; Bladder cancer. Identifiers: MedGen C0005684, MONDO:0001187, OMIM 109800.
Tuberous sclerosis 1 (TSC1). Identifiers: Orphanet 805, MedGen C1854465, MONDO:0008612, OMIM 191100.

Allele frequency attached by ClinVar (database versions not stated): 1000 Genomes Project 0.06210; 1000 Genomes Project 30x 0.06590; ExAC 0.07584; gnomAD exomes 0.07947 and 0.08111; gnomAD 0.08157 and 0.08329; ESP Exome Variant Server 0.08481; TOPMed 0.08939.
gnomAD v4.1: 130,777 of 1,614,032 alleles (8.1%); highest among the groups gnomAD compares: Admixed American, 14%; 5,782 homozygotes.

Submissions (27):

Labcorp Genetics (formerly Invitae), Labcorp
Classification: Benign for Tuberous sclerosis 1. Last evaluated: 2026-02-04. Review status: criteria provided, single submitter. Criteria: Invitae Variant Classification Sherloc (09022015). Collection method: clinical testing. Allele origin: germline.

ARUP Laboratories, Molecular Genetics and Genomics, ARUP Laboratories
Classification: Benign. Last evaluated: 2025-07-15. Review status: criteria provided, single submitter. Criteria: ARUP Molecular Germline Variant Investigation Process 2024. Collection method: clinical testing. Allele origin: germline.

Myriad Genetics, Inc.
Classification: Benign for Tuberous sclerosis 1. Last evaluated: 2025-04-29. Review status: criteria provided, single submitter. Criteria: Myriad Autosomal Dominant, Autosomal Recessive and X-Linked Classification Criteria (2023). Collection method: clinical testing. Allele origin: unknown.
Comment: This variant is considered benign. This variant is a silent/synonymous amino acid change and it is not expected to impact splicing.

Blueprint Genetics
Classification: Benign. Last evaluated: 2024-11-27. Review status: criteria provided, single submitter. Criteria: ACMG Guidelines, 2015. Collection method: clinical testing. Allele origin: germline.

All of Us Research Program, National Institutes of Health
Classification: Benign for Tuberous sclerosis syndrome. Last evaluated: 2024-10-02. Review status: criteria provided, single submitter. Criteria: ACMG Guidelines, 2015. Collection method: clinical testing. Allele origin: germline. Inheritance: Autosomal dominant inheritance. Observed: 23,213 variant alleles, 22,103 heterozygotes, 1,108 homozygotes, 2 hemizygotes.
Comment: This study involves interpretation of variants in research participants for the purpose of population health screening. Participant phenotype was not available at the time of variant classification. Additional details can be found in publication PMID: 35346344, PMCID: PMC8962531

Unidad de Genómica Garrahan, Hospital de Pediatría Garrahan
Classification: Benign. Last evaluated: 2024-07-15. Review status: criteria provided, single submitter. Criteria: ACMG Guidelines, 2015. Collection method: clinical testing. Allele origin: germline. Affected: no. Observed: 20 variant alleles.
Comment: This variant is classified as Benign based on local population frequency. This variant was detected in 22% of patients studied in a panel designed for Epileptic and Developmental Encephalopathy and Progressive Myoclonus Epilepsy. Number of patients: 20. Only high quality variants are reported.

KCCC/NGS Laboratory, Kuwait Cancer Control Center
Classification: Benign for Tuberous sclerosis 1. Last evaluated: 2023-07-07. Review status: criteria provided, single submitter. Criteria: ACMG Guidelines, 2015. Collection method: clinical testing. Allele origin: germline. Affected: yes.

Mayo Clinic Laboratories, Mayo Clinic
Classification: Benign. Last evaluated: 2022-03-18. Review status: criteria provided, single submitter. Criteria: ACMG Guidelines, 2015. Collection method: clinical testing. Allele origin: germline. Observed: 225 variant alleles.

Genome-Nilou Lab
Classification: Benign for Tuberous sclerosis 1. Last evaluated: 2021-11-07. Review status: criteria provided, single submitter. Criteria: ACMG Guidelines, 2015. Collection method: clinical testing. Allele origin: germline. Affected: no.

Division of Genomic Medicine, Department of Advanced Medicine, Medical Research Institute, Kanazawa Medical University
Classification: Likely benign for Tuberous sclerosis 1. Last evaluated: 2020-07-10. Review status: criteria provided, single submitter. Criteria: ACMG Guidelines, 2015. Collection method: clinical testing. Allele origin: germline. Affected: yes. Observed: 7 variant alleles.

Color Diagnostics, LLC DBA Color Health
Classification: Benign for Tuberous sclerosis syndrome. Last evaluated: 2019-03-28. Review status: criteria provided, single submitter. Criteria: ACMG Guidelines, 2015. Collection method: clinical testing. Allele origin: germline.

Illumina Laboratory Services, Illumina
Classification: Benign for Tuberous sclerosis 1. Last evaluated: 2018-01-13. Review status: criteria provided, single submitter. Criteria: ICSL Variant Classification Criteria 13 December 2019. Collection method: clinical testing. Allele origin: germline.
Comment: This variant was observed in the ICSL laboratory as part of a predisposition screen in an ostensibly healthy population. It had not been previously curated by ICSL or reported in the Human Gene Mutation Database (HGMD: prior to June 1st, 2018), and was therefore a candidate for classification through an automated scoring system. Utilizing variant allele frequency, disease prevalence and penetrance estimates, and inheritance mode, an automated score was calculated to assess if this variant is too frequent to cause the disease. Based on the score and internal cut-off values, a variant classified as benign is not then subjected to further curation. The score for this variant resulted in a classification of benign for this disease.

Illumina Laboratory Services, Illumina
Classification: Benign for Isolated focal cortical dysplasia type II. Last evaluated: 2018-01-13. Review status: criteria provided, single submitter. Criteria: ICSL Variant Classification Criteria 13 December 2019. Collection method: clinical testing. Allele origin: germline.
Comment: the same text as in the submission from Illumina Laboratory Services, Illumina above.

Athena Diagnostics
Classification: Benign for Tuberous sclerosis 1. Last evaluated: 2017-04-14. Review status: criteria provided, single submitter. Criteria: Athena Diagnostics Criteria. Collection method: clinical testing. Allele origin: germline.

Women's Health and Genetics/Laboratory Corporation of America, LabCorp
Classification: Benign. Last evaluated: 2016-05-26. Review status: criteria provided, single submitter. Criteria: LabCorp Variant Classification Summary - May 2015. Collection method: clinical testing. Allele origin: germline.
Comment: Variant summary: The TSC1 c.2829C>T (p.Ala943Ala) variant involves the alteration of a non-conserved nucleotide, resulting in a synonymous change. One in silico tool predicts a polymorphism outcome for this variant along with 5/5 splice prediction tools predicting the variant not to have an impact on normal splicing. This variant was found in 9206/121392 control chromosomes (457 homozygotes), predominantly observed in the Latino, (143 homozygotes) subpopulation at a frequency of 0.1558127 (1804/11578). This frequency greatly exceeds the estimated maximal expected allele frequency of a pathogenic TSC1 variant (0.000025), suggesting this is likely a benign polymorphism found primarily in the populations of Latino origin. In addition, multiple clinical diagnostic laboratories classified this variant as Benign. Taken together, this variant is classified as Benign.

GeneDx
Classification: Benign. Last evaluated: 2015-03-04. Review status: criteria provided, single submitter. Criteria: GeneDx Variant Classification (06012015). Collection method: clinical testing. Allele origin: germline. Affected: yes.
Comment: This variant is considered likely benign or benign based on one or more of the following criteria: it is a conservative change, it occurs at a poorly conserved position in the protein, it is predicted to be benign by multiple in silico algorithms, and/or has population frequency not consistent with disease.

Ambry Genetics
Classification: Benign for Hereditary cancer-predisposing syndrome. Last evaluated: 2014-11-19. Review status: criteria provided, single submitter. Criteria: Ambry Variant Classification Scheme 2023. Collection method: clinical testing. Allele origin: germline.

Eurofins Ntd Llc (ga)
Classification: Benign. Last evaluated: 2014-07-31. Review status: criteria provided, single submitter. Criteria: EGL Classification Definitions 2015. Collection method: clinical testing. Allele origin: germline. Observed: 1 variant allele, 1 heterozygote.

Laboratory for Molecular Medicine, Mass General Brigham Personalized Medicine
Classification: Benign. Last evaluated: 2013-02-21. Review status: criteria provided, single submitter. Criteria: LMM Criteria. Collection method: clinical testing. Allele origin: germline. Observed: 11 variant alleles.
Comment: Ala943Ala in exon 22 of TSC1: This variant is not expected to have clinical sign ificance because it does not alter an amino acid residue and is not located with in the splice consensus sequence. It has been identified in 9.1% (399/4406) of A frican American chromosomes from a broad population by the NHLBI Exome Sequencin g Project (dbSNP rs4962081).

Breakthrough Genomics
Classification: Likely benign. Review status: criteria provided, single submitter. Criteria: ACMG Guidelines, 2015. Collection method: not provided. Allele origin: germline. Inheritance: Autosomal dominant inheritance. Affected: yes.

PreventionGenetics, part of Exact Sciences
Classification: Benign. Review status: criteria provided, single submitter. Criteria: ACMG Guidelines, 2015. Collection method: clinical testing. Allele origin: germline.

Clinical Genetics DNA and cytogenetics Diagnostics Lab, Erasmus MC, Erasmus Medical Center
Classification: Benign. Review status: no assertion criteria provided. Collection method: clinical testing. Allele origin: germline. Affected: yes. Study: VKGL Data-share Consensus. Not counted in ClinVar's aggregate classification.

Clinical Genetics, Academic Medical Center
Classification: Benign. Review status: no assertion criteria provided. Collection method: clinical testing. Allele origin: germline. Affected: yes. Study: VKGL Data-share Consensus. Not counted in ClinVar's aggregate classification.

Genetic Services Laboratory, University of Chicago
Classification: Likely benign for AllHighlyPenetrant. Review status: no assertion criteria provided. Collection method: clinical testing. Allele origin: germline. Inheritance: Autosomal dominant inheritance. Not counted in ClinVar's aggregate classification.
Comment: Likely benign based on allele frequency in 1000 Genomes Project or ESP global frequency and its presence in a patient with a rare or unrelated disease phenotype. NOT Sanger confirmed.

Tuberous sclerosis database (TSC1)
No classification provided. Condition: TSC. Review status: no classification provided. Criteria: Tuberous Sclerosis Database Assertion Criteria 2015. Collection method: curation. Allele origin: germline. Affected: yes and no. Not counted in ClinVar's aggregate classification.

Tuberous sclerosis database (TSC1)
No classification provided. Condition: Bladder cancer. Review status: no classification provided. Criteria: Tuberous Sclerosis Database Assertion Criteria 2015. Collection method: curation. Allele origin: germline. Affected: yes. Not counted in ClinVar's aggregate classification.

Tuberous sclerosis database (TSC1)
No classification provided. Condition: TSC; LAM. Review status: no classification provided. Criteria: Tuberous Sclerosis Database Assertion Criteria 2015. Collection method: curation. Allele origin: germline. Affected: yes. Not counted in ClinVar's aggregate classification.

NM_000368.5(TSC1):c.2829C>T (p.Ala943=)

Gene: TSC1 (TSC complex subunit 1; minus strand). Cytogenetic location: 9q34.13.
Variant type: single nucleotide variant.
Coding change: c.2829C>T on transcript NM_000368.5 (MANE Select); coding-DNA position 2829, C replaced by T.
Protein change: p.Ala943=; no amino-acid change (alanine 943 retained).
Molecular consequence: synonymous variant.
Genome position (GRCh38, 1-based): chr9:132,897,330, G>A on the plus strand (C>T on the coding strand, the complement: TSC1 is on the minus strand). VCF-style: chr9-132897330-G-A. GRCh37 (hg19) VCF-style: chr9-135772717-G-A.
Other names: p.A943A:GCC>GCT; p.Ala943=; c.2826C>T, p.Ala942= (NM_001162426.2); c.2676C>T, p.Ala892= (NM_001162427.2); c.2466C>T, p.Ala822= (NM_001362177.2).
Identifiers: ClinVar variation 49006 (VCV000049006.55), dbSNP rs4962081, ClinGen allele CA007070.